The following is an entry in ClinVar:

ClinVar aggregate classification (germline): Uncertain significance. Review status: criteria provided, multiple submitters, no conflicts (2 of 4 stars). 4 submissions from 4 submitters: Uncertain significance (4). Last evaluated 2025-04-11.

Conditions:
Cardiovascular phenotype. Identifiers: MedGen CN230736.
Long QT syndrome (LQTS). Identifiers: MedGen C0023976, MeSH D008133, MONDO:0002442. Disease mechanism: loss of function. Inheritance: Various modes of inheritance.

Allele frequency attached by ClinVar (database versions not stated): gnomAD exomes below 0.00001 and 0.00001; TOPMed below 0.00001; ExAC 0.00001; gnomAD 0.00001.
gnomAD v4.1: 5 of 1,614,020 alleles (0.00031%); highest among the groups gnomAD compares: Admixed American, 0.0017%; no homozygotes.

Submissions (4):

Labcorp Genetics (formerly Invitae), Labcorp
Classification: Uncertain significance for Long QT syndrome. Last evaluated: 2025-04-11. Review status: criteria provided, single submitter. Criteria: Invitae Variant Classification Sherloc (09022015). Collection method: clinical testing. Allele origin: germline.
Comment: This sequence change replaces lysine, which is basic and polar, with arginine, which is basic and polar, at codon 156 of the SNTA1 protein (p.Lys156Arg). This variant is present in population databases (rs772004957, gnomAD 0.002%). This variant has not been reported in the literature in individuals affected with SNTA1-related conditions. ClinVar contains an entry for this variant (Variation ID: 1309735). Invitae Evidence Modeling of protein sequence and biophysical properties (such as structural, functional, and spatial information, amino acid conservation, physicochemical variation, residue mobility, and thermodynamic stability) indicates that this missense variant is not expected to disrupt SNTA1 protein function with a negative predictive value of 80%. In summary, the available evidence is currently insufficient to determine the role of this variant in disease. Therefore, it has been classified as a Variant of Uncertain Significance.

Women's Health and Genetics/Laboratory Corporation of America, LabCorp
Classification: Uncertain significance. Last evaluated: 2023-07-03. Review status: criteria provided, single submitter. Criteria: LabCorp Variant Classification Summary - May 2015. Collection method: clinical testing. Allele origin: germline.

Ambry Genetics
Classification: Uncertain significance for Cardiovascular phenotype. Last evaluated: 2023-03-05. Review status: criteria provided, single submitter. Criteria: Ambry Variant Classification Scheme 2023. Collection method: clinical testing. Allele origin: germline.
Comment: The p.K156R variant (also known as c.467A>G), located in coding exon 2 of the SNTA1 gene, results from an A to G substitution at nucleotide position 467. The lysine at codon 156 is replaced by arginine, an amino acid with highly similar properties. This amino acid position is conserved. In addition, this alteration is predicted to be tolerated by in silico analysis. Since supporting evidence is limited at this time, the clinical significance of this alteration remains unclear.

GeneDx
Classification: Uncertain significance. Last evaluated: 2019-10-24. Review status: criteria provided, single submitter. Criteria: GeneDx Variant Classification Process June 2021. Collection method: clinical testing. Allele origin: germline. Affected: yes.
Comment: Has not been previously published as pathogenic or benign to our knowledge; Not observed at a significant frequency in large population cohorts (Lek et al., 2016); In silico analysis, which includes protein predictors and evolutionary conservation, supports a deleterious effect

NM_003098.3(SNTA1):c.467A>G (p.Lys156Arg)

Genes: SNTA1 (syntrophin alpha 1; minus strand), LOC130065678 (ATAC-STARR-seq lymphoblastoid active region 17731; plus strand). Cytogenetic location: 20q11.21.
Variant type: single nucleotide variant.
Coding change: c.467A>G on transcript NM_003098.3 (MANE Select); coding-DNA position 467, A replaced by G.
Protein change: p.Lys156Arg; replaces lysine 156 with arginine.
Molecular consequence: missense variant.
Genome position (GRCh38, 1-based): chr20:33,438,870, T>C on the plus strand (A>G on the coding strand, the complement: SNTA1 is on the minus strand). VCF-style: chr20-33438870-T-C. GRCh37 (hg19) VCF-style: chr20-32026676-T-C.
Other names: short protein forms K156R.
Identifiers: ClinVar variation 1309735 (VCV001309735.7), dbSNP rs772004957, ClinGen allele CA9817224.
Genomic context (GRCh38, chr20:33,438,870, plus strand): 5'-CCCCTCTGAACCCTGGAACGTCAGTGCTTACCCTCCAGCACCACCTCCTTGCCTGTCTTC[T>C]TGAGGACCTGCACCGCCTCATCATGGGTAGCAGAGGACAAGTCTTCCCCATTCACAGACA-3'
Protein context (NP_003089.1, residues 146-166): ATHDEAVQVL[Lys156Arg]KTGKEVVLEV